The following is an entry in ClinVar:

NM_007294.4(BRCA1):c.275C>G (p.Ala92Gly)

Gene: BRCA1 (BRCA1 DNA repair associated; minus strand). Cytogenetic location: 17q21.31.
Variant type: single nucleotide variant.
Coding change: c.275C>G on transcript NM_007294.4 (MANE Select); coding-DNA position 275, C replaced by G.
Protein change: p.Ala92Gly; replaces alanine 92 with glycine.
Molecular consequence: missense variant. On other transcripts: non-coding transcript variant (1).
Genome position (GRCh38, 1-based): chr17:43,104,894, G>C on the plus strand (C>G on the coding strand, the complement: BRCA1 is on the minus strand). VCF-style: chr17-43104894-G-C. GRCh37 (hg19) VCF-style: chr17-41256911-G-C.
Other names: c.134C>G, p.Ala45Gly (NM_001407744.1, NM_001407745.1, NM_001407746.1 and 99 more transcripts); c.65C>G, p.Ala22Gly (NM_001407853.1, NM_001407879.1, NM_001407881.1 and 58 more transcripts); c.275C>G, p.Ala92Gly (NM_001407854.1, NM_001407858.1, NM_001407859.1 and 168 more transcripts); c.197C>G, p.Ala66Gly (NM_001407862.1, NM_001407874.1, NM_001407875.1 and 21 more transcripts); c.-107C>G (NM_001407959.1, NM_001407960.1, NM_001407962.1 and 4 more transcripts); c.143C>G, p.Ala48Gly (NM_001408451.1); short protein forms A45G, A92G, A48G, A22G, A66G.
Identifiers: ClinVar variation 821773 (VCV000821773.10), dbSNP rs1597898146, ClinGen allele CA10601605.
Genomic context (GRCh38, chr17:43,104,894, plus strand): 5'-CTTGAGTGTCATTCTTGGGATATTCAACACTTACACTCCAAACCTGTGTCAAGCTGAAAA[G>C]CACAAATGATTTTCAATAGCTCTTCAACAAGTTGACTAAATCTCGTACTTTCTTGTAGGC-3'
Protein context (NP_009225.1, residues 82-102): LVEELLKIIC[Ala92Gly]FQLDTGLEYA

ClinVar aggregate classification (germline): Uncertain significance. Review status: criteria provided, multiple submitters, no conflicts (2 of 4 stars). 3 submissions from 3 submitters: Uncertain significance (3). Last evaluated 2024-12-31.

Conditions:
Hereditary breast ovarian cancer syndrome. Also called: BRCA1- and BRCA2-Associated Hereditary Breast and Ovarian Cancer; Hereditary breast and ovarian cancer syndrome (HBOC); Hereditary breast and ovarian cancer syndrome; Breast and ovarian cancer; Hereditary breast and ovarian cancer; Hereditary breast and/or ovarian cancer syndrome. Identifiers: Orphanet 145, MedGen C0677776, MeSH D061325, MONDO:0003582. Disease mechanism: loss of function.
Hereditary cancer-predisposing syndrome. Also called: Hereditary Cancer Syndrome; Hereditary neoplastic syndrome; Neoplastic Syndromes, Hereditary; Tumor predisposition. Identifiers: Orphanet 140162, MedGen C0027672, MeSH D009386, MONDO:0015356.
Breast-ovarian cancer, familial, susceptibility to, 1 (BROVCA1). Also called: OVARIAN CANCER, SUSCEPTIBILITY TO; BRCA1 Hereditary Breast and Ovarian Cancer. Identifiers: Orphanet 145, MedGen C2676676, MONDO:0011450, OMIM 604370. Disease mechanism: loss of function.

Submissions (4):

Molecular Pathology, Peter Maccallum Cancer Centre
Classification: Uncertain significance for Breast-ovarian cancer, familial, susceptibility to, 1. Last evaluated: 2024-12-31. Review status: criteria provided, single submitter. Criteria: ACMG Guidelines, 2015. Collection method: clinical testing. Allele origin: germline. Inheritance: Autosomal dominant inheritance.

Labcorp Genetics (formerly Invitae), Labcorp
Classification: Uncertain significance for Hereditary breast ovarian cancer syndrome. Last evaluated: 2024-06-12. Review status: criteria provided, single submitter. Criteria: Invitae Variant Classification Sherloc (09022015). Collection method: clinical testing. Allele origin: germline.
Comment: This sequence change replaces alanine, which is neutral and non-polar, with glycine, which is neutral and non-polar, at codon 92 of the BRCA1 protein (p.Ala92Gly). This variant is not present in population databases (gnomAD no frequency). This variant has not been reported in the literature in individuals affected with BRCA1-related conditions. ClinVar contains an entry for this variant (Variation ID: 821773). Advanced modeling performed at Invitae incorporating data from internal and/or published experimental studies (PMID: 30209399) indicates that this missense variant is expected to disrupt BRCA1 function with a positive predictive value of 95%. In summary, the available evidence is currently insufficient to determine the role of this variant in disease. Therefore, it has been classified as a Variant of Uncertain Significance.

Ambry Genetics
Classification: Uncertain significance for Hereditary cancer-predisposing syndrome. Last evaluated: 2019-09-06. Review status: criteria provided, single submitter. Criteria: Ambry Variant Classification Scheme 2023. Collection method: clinical testing. Allele origin: germline.
Comment: The p.A92G variant (also known as c.275C>G), located in coding exon 4 of the BRCA1 gene, results from a C to G substitution at nucleotide position 275. The alanine at codon 92 is replaced by glycine, an amino acid with similar properties. This nucleotide position is highly conserved in available vertebrate species. In addition, this alteration is predicted to be deleterious by in silico analysis. Since supporting evidence is limited at this time, the clinical significance of this alteration remains unclear.

Brotman Baty Institute, University of Washington
No classification provided (evidence only). Condition: Breast-ovarian cancer, familial 1. Review status: no classification provided. Collection method: in vitro. Allele origin: not applicable. Functional consequence: function_uncertain_variant. Not counted in ClinVar's aggregate classification.
ClinVar note: "not provided" was previously submitted as the classification for the variant. However, the classification appeared to be based only on an observation of functional data so it was converted to no classification on 2025-07-30.

Literature cited by the submitters: PubMed 30209399 (cited by Labcorp Genetics (formerly Invitae), Labcorp).